The following is an entry in ClinVar:

NM_001379029.1(CERT1):c.395C>T (p.Ser132Leu)

Gene: CERT1 (ceramide transporter 1; minus strand). Cytogenetic location: 5q13.3.
Variant type: single nucleotide variant.
Coding change: c.395C>T on transcript NM_001379029.1 (MANE Select); coding-DNA position 395, C replaced by T.
Protein change: p.Ser132Leu; replaces serine 132 with leucine.
Molecular consequence: missense variant.
Genome position (GRCh38, 1-based): chr5:75,426,432, G>A on the plus strand (C>T on the coding strand, the complement: CERT1 is on the minus strand). VCF-style: chr5-75426432-G-A. GRCh37 (hg19) VCF-style: chr5-74722257-G-A.
Other names: c.779C>T, p.Ser260Leu (NM_001130105.1); c.395C>T, p.Ser132Leu (NM_001379002.1, NM_001379003.1, NM_001379004.1 and 2 more transcripts); short protein forms S260L, S132L.
Identifiers: ClinVar variation 419654 (VCV000419654.14), dbSNP rs1064794019, ClinGen allele CA16618211.

ClinVar aggregate classification (germline): Conflicting classifications of pathogenicity. Review status: criteria provided, conflicting classifications (1 of 4 stars). 6 submissions from 6 submitters: Pathogenic (4); Uncertain significance (1). 1 of the submissions does not count toward it. Last evaluated 2025-11-27.

Conditions:
Inborn genetic diseases. Identifiers: MedGen C0950123, MeSH D030342.
Intellectual disability, autosomal dominant 34 (NEDHSF). Also called: Ceramide Transporter Syndrome; NEURODEVELOPMENTAL DISORDER WITH HYPOTONIA, SPEECH DELAY, AND DYSMORPHIC FACIES; CERTRA SYNDROME; INTELLECTUAL DEVELOPMENTAL DISORDER, AUTOSOMAL DOMINANT 34. Identifiers: MedGen C4225156, MONDO:0014599, OMIM 616351.

Submissions (6):

Victorian Clinical Genetics Services, Murdoch Childrens Research Institute
Classification: Pathogenic for Intellectual disability, autosomal dominant 34. Last evaluated: 2025-11-27. Review status: criteria provided, single submitter. Criteria: ACMG Guidelines, 2015. Collection method: clinical testing. Allele origin: germline. Affected: yes.
Comment: This variant is classified as Pathogenic. Evidence in support of pathogenic classification: Variant is absent from gnomAD (v2, v3 and v4); This variant has strong previous evidence of pathogenicity in unrelated individuals. This variant has been classified as pathogenic by multiple clinical laboratories in ClinVar and reported to be de novo in individuals with neurodevelopmental disorder with hypotonia, speech delay, and dysmorphic facies (PMIDs: 25533962, 36976648, 37892645); Missense variant predicted to be damaging by in silico tool(s) or highly conserved with a major amino acid change; Additional information: Variant is predicted to result in a missense amino acid change from Ser to Leu; This variant is heterozygous; This gene is associated with autosomal dominant disease; Gain of function is a known mechanism of disease in this gene and is associated with autosomal dominant neurodevelopmental disorder with hypotonia, speech delay, and dysmorphic facies (MIM#616351); Variants in this gene are known to have variable expressivity (OMIM).

Ambry Genetics
Classification: Pathogenic for Inborn genetic diseases. Last evaluated: 2025-07-28. Review status: criteria provided, single submitter. Criteria: Ambry Variant Classification Scheme 2023. Collection method: clinical testing. Allele origin: germline.
Comment: The c.779C>T (p.S260L) alteration is located in exon 5 (coding exon 5) of the CERT1 gene. This alteration results from a C to T substitution at nucleotide position 779, causing the serine (S) at amino acid position 260 to be replaced by a leucine (L). This variant was not reported in population-based cohorts in the Genome Aggregation Database (gnomAD). This variant was determined to be de novo in at least one individual with features consistent with CERT1-related neurodevelopmental disorder (Deciphering Developmental Disorders, 2015). This amino acid position is highly conserved in available vertebrate species. In an assay testing CERT1 function, this variant showed a functionally abnormal result (Tamura, 2021). The in silico prediction for this alteration is inconclusive. Based on the available evidence, this alteration is classified as pathogenic.

GeneDx
Classification: Pathogenic. Last evaluated: 2022-11-14. Review status: criteria provided, single submitter. Criteria: GeneDx Variant Classification Process June 2021. Collection method: clinical testing. Allele origin: germline. Affected: yes.
Comment: Not observed at significant frequency in large population cohorts (gnomAD); In silico analysis supports that this missense variant has a deleterious effect on protein structure/function; This variant is associated with the following publications: (PMID: 25533962, 34688657, 28191890, 28135719, 28628100, 28867141, 31785789)

Revvity Omics, Revvity
Classification: Pathogenic for Intellectual disability, autosomal dominant 34. Last evaluated: 2020-12-04. Review status: criteria provided, single submitter. Criteria: ACMG Guidelines, 2015. Collection method: clinical testing. Allele origin: germline.

Institute of Human Genetics, University of Leipzig Medical Center
Classification: Uncertain significance for Intellectual disability, autosomal dominant 34. Last evaluated: 2016-12-19. Review status: criteria provided, single submitter. Criteria: ACMG Guidelines, 2015. Collection method: clinical testing. Allele origin: germline. Affected: yes. Observed: 1 variant allele.

OMIM
Classification: Pathogenic for NEURODEVELOPMENTAL DISORDER WITH HYPOTONIA, SPEECH DELAY, AND DYSMORPHIC FACIES. Last evaluated: 2012-11-15. Review status: no assertion criteria provided. Collection method: literature only. Allele origin: germline. Not counted in ClinVar's aggregate classification.

Literature cited by the submitters: PubMed 37892645 (cited by Victorian Clinical Genetics Services, Murdoch Childrens Research Institute); PubMed 25533962 (cited by Victorian Clinical Genetics Services, Murdoch Childrens Research Institute and Ambry Genetics); PubMed 36976648 (cited by Victorian Clinical Genetics Services, Murdoch Childrens Research Institute and OMIM); PubMed 34688657 (cited by Ambry Genetics and OMIM); PubMed 23033978 (cited by OMIM).